The following is an entry in ClinVar:

ClinVar aggregate classification (germline): Uncertain significance (1 of 4 stars; one submission).

Submission:

Labcorp Genetics (formerly Invitae), Labcorp
Classification: Uncertain significance. Last evaluated: 2023-04-28. Review status: criteria provided, single submitter. Criteria: Invitae Variant Classification Sherloc (09022015). Collection method: clinical testing. Allele origin: germline.
Comment: In summary, the available evidence is currently insufficient to determine the role of this variant in disease. Therefore, it has been classified as a Variant of Uncertain Significance. Advanced modeling of protein sequence and biophysical properties (such as structural, functional, and spatial information, amino acid conservation, physicochemical variation, residue mobility, and thermodynamic stability) performed at Invitae indicates that this missense variant is expected to disrupt ABCA4 protein function. This variant has not been reported in the literature in individuals affected with ABCA4-related conditions. This variant is not present in population databases (gnomAD no frequency). This sequence change replaces histidine, which is basic and polar, with aspartic acid, which is acidic and polar, at codon 2202 of the ABCA4 protein (p.His2202Asp).

NM_000350.3(ABCA4):c.6604C>G (p.His2202Asp)

Gene: ABCA4 (ATP binding cassette subfamily A member 4; minus strand). Cytogenetic location: 1p22.1.
Variant type: single nucleotide variant.
Coding change: c.6604C>G on transcript NM_000350.3 (MANE Select); coding-DNA position 6604, C replaced by G.
Protein change: p.His2202Asp; replaces histidine 2202 with aspartic acid.
Molecular consequence: missense variant.
Genome position (GRCh38, 1-based): chr1:93,997,986, G>C on the plus strand (C>G on the coding strand, the complement: ABCA4 is on the minus strand). VCF-style: chr1-93997986-G-C. GRCh37 (hg19) VCF-style: chr1-94463542-G-C.
Other names: c.6382C>G, p.His2128Asp (NM_001425324.1); short protein forms H2128D, H2202D.
Identifiers: ClinVar variation 2860441 (VCV002860441.3), dbSNP rs2523615080, ClinGen allele CA341276485.
Genomic context (GRCh38, chr1:93,997,986, plus strand): 5'-GGAGCTGGAAGATCCTCGCCAGGGAGGAGGAGGAGACCTGGAACTGGAGCATGTTGTAGT[G>C]CCTCTCCCTCTGCACACTGCCTGGGAAGTTCCCCTGGAAGAACTGCTCCACAGGGTTCAG-3'
Protein context (NP_000341.2, residues 2192-2212): NFPGSVQRER[His2202Asp]YNMLQFQVSS